The following is an entry in ClinVar:

ClinVar aggregate classification (germline): Uncertain significance (1 of 4 stars; one submission).

gnomAD v4.1: 3 of 1,602,542 alleles (0.00019%); highest among the groups gnomAD compares: Non-Finnish European, 0.00026%; no homozygotes.

Submission:

Women's Health and Genetics/Laboratory Corporation of America, LabCorp
Classification: Uncertain significance. Last evaluated: 2025-05-07. Review status: criteria provided, single submitter. Criteria: LabCorp Variant Classification Summary - May 2015. Collection method: clinical testing. Allele origin: germline.
Comment: Variant summary: CHD1 c.1293A>G alters a non-conserved nucleotide resulting in a synonymous change. Several computational tools predict a significant impact on normal splicing: Two predict the variant creates a cryptic 3' acceptor site. However, these predictions have yet to be confirmed by functional studies. The variant allele was found at a frequency of 4.1e-06 in 246146 control chromosomes. The available data on variant occurrences in the general population are insufficient to allow any conclusion about variant significance. To our knowledge, no occurrence of c.1293A>G in individuals affected with Pilarowski-Bjornsson Syndrome and no experimental evidence demonstrating its impact on protein function have been reported. No submitters have cited clinical-significance assessments for this variant to ClinVar. Based on the evidence outlined above, the variant was classified as uncertain significance.

NM_001270.4(CHD1):c.1293A>G (p.Lys431=)

Gene: CHD1 (chromodomain helicase DNA binding protein 1; minus strand). Cytogenetic location: 5q15.
Variant type: single nucleotide variant.
Coding change: c.1293A>G on transcript NM_001270.4 (MANE Select); coding-DNA position 1293, A replaced by G.
Protein change: p.Lys431=; no amino-acid change (lysine 431 retained).
Molecular consequence: synonymous variant. On other transcripts: non-coding transcript variant (2).
Genome position (GRCh38, 1-based): chr5:98,898,328, T>C on the plus strand (A>G on the coding strand, the complement: CHD1 is on the minus strand). VCF-style: chr5-98898328-T-C. GRCh37 (hg19) VCF-style: chr5-98234032-T-C.
Other names: c.1293A>G, p.Lys431= (NM_001364113.3, NM_001376194.2).
Identifiers: ClinVar variation 3902447 (VCV003902447.1).